The following is an entry in ClinVar:

ClinVar aggregate classification (germline): Likely pathogenic (1 of 4 stars; one submission).

Conditions:
Phenylketonuria (PKU). Also called: FOLLING DISEASE; OLIGOPHRENIA PHENYLPYRUVICA; Phenylketonurias; Phenylketonuria (PKU). Identifiers: Orphanet 716, MedGen C0031485, MONDO:0009861, OMIM 261600. Disease mechanism: loss of function.

Submission:

Natera, Inc.
Classification: Likely pathogenic for Phenylketonuria. Last evaluated: 2026-01-29. Review status: criteria provided, single submitter. Criteria: Natera Variant Classification Schema (03/2026). Collection method: clinical testing. Allele origin: germline.
Comment: The c.782delG variant in PAH is a frameshift variant predicted to shift the reading frame beginning at codon 261 and leads to a stop codon 80 codons downstream. This variant is expected to result in nonsense mediated decay, truncation, or a dysfunctional protein product. This variant is rare in the general population with a frequency below the threshold expected for the associated phenotype(s). Given the available evidence, this variant is classified as Likely Pathogenic.

NM_000277.3(PAH):c.782del (p.Arg261fs)

Gene: PAH (phenylalanine hydroxylase; minus strand). Cytogenetic location: 12q23.2.
Variant type: Deletion.
Coding change: c.782del on transcript NM_000277.3 (MANE Select); coding-DNA position 782, one base deleted (G; older notation c.782delG).
Protein change: p.Arg261fs; shifts the reading frame from arginine 261.
Molecular consequence: frameshift variant.
Genome position (GRCh38, 1-based): chr12:102,852,875, C deleted on the plus strand (G on the coding strand, the reverse complement: PAH is on the minus strand). VCF-style (leftmost placement, unchanged base first): chr12-102852874-TC-T. GRCh37 (hg19) VCF-style: chr12-103246652-TC-T.
Other names: c.782del, p.Arg261fs (NM_001354304.2); short protein forms R261fs.
Identifiers: ClinVar variation 4818094 (VCV004818094.2).